The following is an entry in ClinVar:

NM_001330260.2(SCN8A):c.2290G>A (p.Val764Ile)

Gene: SCN8A (sodium voltage-gated channel alpha subunit 8; plus strand). Cytogenetic location: 12q13.13.
Variant type: single nucleotide variant.
Coding change: c.2290G>A on transcript NM_001330260.2 (MANE Select); coding-DNA position 2290, G replaced by A.
Protein change: p.Val764Ile; replaces valine 764 with isoleucine.
Molecular consequence: missense variant.
Genome position (GRCh38, 1-based): chr12:51,751,513, G>A. VCF-style: chr12-51751513-G-A. GRCh37 (hg19) VCF-style: chr12-52145297-G-A.
Other names: c.2290G>A, p.Val764Ile (NM_001177984.3, NM_001369788.1, NM_014191.4); c.2290G>A (NM_014191.3); short protein forms V764I.
Identifiers: ClinVar variation 1463420 (VCV001463420.10), dbSNP rs1229931495, ClinGen allele CA384880052.
Genomic context (GRCh38, chr12:51,751,513, plus strand): 5'-GAGATTGTGAACTTGATAGTTATGGACCCTTTTGTGGATTTAGCCATCACCATCTGCATC[G>A]TCCTGAATACACTGTTTATGGCAATGGAGCACCATCCTATGACACCACAATTTGAACATG-3'
Protein context (NP_001317189.1, residues 754-774): FVDLAITICI[Val764Ile]LNTLFMAMEH

ClinVar aggregate classification (germline): Uncertain significance. Review status: criteria provided, multiple submitters, no conflicts (2 of 4 stars). 2 submissions from 2 submitters: Uncertain significance (2). Last evaluated 2025-12-03.

Conditions:
Early-infantile DEE. Also called: Early infantile epileptic encephalopathy with suppression bursts; Early infantile epileptic encephalopathy; Ohtahara syndrome. Identifiers: Orphanet 1934, MedGen C0393706, MONDO:0800491.

Allele frequency attached by ClinVar (database versions not stated): gnomAD exomes below 0.00001; gnomAD 0.00001.
gnomAD v4.1: 8 of 1,613,714 alleles (0.0005%); highest among the groups gnomAD compares: East Asian, 0.0022%; no homozygotes.

Submissions (2):

Labcorp Genetics (formerly Invitae), Labcorp
Classification: Uncertain significance for Early-infantile DEE. Last evaluated: 2025-12-03. Review status: criteria provided, single submitter. Criteria: Invitae Variant Classification Sherloc (09022015). Collection method: clinical testing. Allele origin: germline.
Comment: This sequence change replaces valine, which is neutral and non-polar, with isoleucine, which is neutral and non-polar, at codon 764 of the SCN8A protein (p.Val764Ile). This variant is present in population databases (no rsID available, gnomAD 0.006%). This variant has not been reported in the literature in individuals affected with SCN8A-related conditions. ClinVar contains an entry for this variant (Variation ID: 1463420). Invitae Evidence Modeling of protein sequence and biophysical properties (such as structural, functional, and spatial information, amino acid conservation, physicochemical variation, residue mobility, and thermodynamic stability) indicates that this missense variant is not expected to disrupt SCN8A protein function with a negative predictive value of 95%. In summary, the available evidence is currently insufficient to determine the role of this variant in disease. Therefore, it has been classified as a Variant of Uncertain Significance.

GeneDx
Classification: Uncertain significance. Last evaluated: 2024-10-19. Review status: criteria provided, single submitter. Criteria: GeneDx Variant Classification Process June 2021. Collection method: clinical testing. Allele origin: germline. Affected: yes.
Comment: In silico analysis indicates that this missense variant does not alter protein structure/function; Has not been previously published as pathogenic or benign to our knowledge; This substitution is predicted to be within the transmembrane segment S1 of the second homologous domain